The following is an entry in ClinVar:

NM_006269.2(RP1):c.6146C>A (p.Ser2049Ter)

Gene: RP1 (RP1 axonemal microtubule associated; plus strand). Cytogenetic location: 8q12.1.
Variant type: single nucleotide variant.
Coding change: c.6146C>A on transcript NM_006269.2 (MANE Select); coding-DNA position 6146, C replaced by A.
Protein change: p.Ser2049Ter; replaces serine 2049 with a stop codon.
Molecular consequence: nonsense. On other transcripts: intron variant (1).
Genome position (GRCh38, 1-based): chr8:54,630,028, C>A. VCF-style: chr8-54630028-C-A. GRCh37 (hg19) VCF-style: chr8-55542588-C-A.
Other names: c.787+7740C>A (NM_001375654.1); short protein forms S2049*.
Identifiers: ClinVar variation 1456325 (VCV001456325.8), dbSNP rs2129318565, ClinGen allele CA370990757.

ClinVar aggregate classification (germline): Pathogenic (1 of 4 stars; one submission).

Submission:

Labcorp Genetics (formerly Invitae), Labcorp
Classification: Pathogenic. Last evaluated: 2023-04-05. Review status: criteria provided, single submitter. Criteria: Invitae Variant Classification Sherloc (09022015). Collection method: clinical testing. Allele origin: germline.
Comment: ClinVar contains an entry for this variant (Variation ID: 1456325). This sequence change creates a premature translational stop signal (p.Ser2049*) in the RP1 gene. While this is not anticipated to result in nonsense mediated decay, it is expected to disrupt the last 108 amino acid(s) of the RP1 protein. This variant is not present in population databases (gnomAD no frequency). This variant has not been reported in the literature in individuals affected with RP1-related conditions. This variant disrupts the C-terminus of the RP1 protein. Many variants that disrupt this region have been reported in individuals with either autosomal dominant or autosomal recessive retinitis pigmentosa (PMID: 11527933, 19933189, 29425069, 30027431). Therefore, variants that disrupt this region are expected to be disease-causing. For these reasons, this variant has been classified as Pathogenic.

Literature cited by the submitters: PubMed 11527933; PubMed 19933189; PubMed 29425069; PubMed 30027431.